The following is an entry in ClinVar:

ClinVar aggregate classification (germline): Uncertain significance. Review status: criteria provided, multiple submitters, no conflicts (2 of 4 stars). 2 submissions from 2 submitters: Uncertain significance (2). Last evaluated 2025-06-11.

Submissions (2):

GeneDx
Classification: Uncertain significance. Last evaluated: 2025-06-11. Review status: criteria provided, single submitter. Criteria: GeneDx Variant Classification Process June 2021. Collection method: clinical testing. Allele origin: germline. Affected: yes.
Comment: Not observed at significant frequency in large population cohorts (gnomAD); In silico analysis supports that this missense variant has a deleterious effect on protein structure/function; Has not been previously published as pathogenic or benign to our knowledge

Dasa
Classification: Uncertain significance. Last evaluated: 2025-01-29. Review status: criteria provided, single submitter. Criteria: DASA Assertion Criteria. Collection method: clinical testing. Allele origin: germline.
Comment: NM_001005273.3(CHD3):c.1396G>A (p.Gly466Arg) is a missense variant that results in the substitution of glycine with arginine. This variant is absent from population databases. The currently available literature and clinical evidence are not sufficient to establish a definitive association between this variant and the reported condition. Therefore, this variant is classified as a variant of uncertain significance.

NM_001005273.3(CHD3):c.1396G>A (p.Gly466Arg)

Gene: CHD3 (chromodomain helicase DNA binding protein 3; plus strand). Cytogenetic location: 17p13.1.
Variant type: single nucleotide variant.
Coding change: c.1396G>A on transcript NM_001005273.3 (MANE Select); coding-DNA position 1396, G replaced by A.
Protein change: p.Gly466Arg; replaces glycine 466 with arginine.
Molecular consequence: missense variant.
Genome position (GRCh38, 1-based): chr17:7,895,043, G>A. VCF-style: chr17-7895043-G-A. GRCh37 (hg19) VCF-style: chr17-7798361-G-A.
Other names: c.1573G>A, p.Gly525Arg (NM_001005271.3, NM_001437504.1); c.1561G>A, p.Gly521Arg (NM_001437507.1, NM_001437508.1, NM_001437509.1); c.1396G>A, p.Gly466Arg (NM_005852.4); short protein forms G466R, G521R, G525R.
Identifiers: ClinVar variation 4538035 (VCV004538035.3).